The following is an entry in ClinVar:

ClinVar aggregate classification (germline): Uncertain significance. Review status: criteria provided, multiple submitters, no conflicts (2 of 4 stars). 9 submissions from 9 submitters: Uncertain significance (8). 1 of the submissions does not count toward it. Last evaluated 2024-11-20.

Conditions:
Beta-D-mannosidosis (MANSB). Also called: LYSOSOMAL BETA-MANNOSIDASE DEFICIENCY; MANNOSIDOSIS, BETA A, LYSOSOMAL; BETA-MANNOSIDASE DEFICIENCY; Beta-Mannosidosis. Identifiers: Orphanet 118, MedGen C4048196, MONDO:0009562, OMIM 248510.
Inborn genetic diseases. Identifiers: MedGen C0950123, MeSH D030342.

Allele frequency attached by ClinVar (database versions not stated): gnomAD exomes 0.00011 and 0.00021; 1000 Genomes Project 30x 0.00016; 1000 Genomes Project 0.00020; TOPMed 0.00022; gnomAD 0.00026 and 0.00029; ExAC 0.00031; ESP Exome Variant Server 0.00031.
gnomAD v4.1: 208 of 1,614,196 alleles (0.013%); highest among the groups gnomAD compares: Middle Eastern, 0.12%; no homozygotes.

Submissions (9):

Blueprint Genetics
Classification: Uncertain significance. Last evaluated: 2024-11-20. Review status: criteria provided, single submitter. Criteria: ACMG Guidelines, 2015. Collection method: clinical testing. Allele origin: germline.

Genomic Medicine Center of Excellence, King Faisal Specialist Hospital and Research Centre
Classification: Uncertain significance for Beta-D-mannosidosis. Last evaluated: 2024-03-25. Review status: criteria provided, single submitter. Criteria: ACMG Guidelines, 2015. Collection method: clinical testing. Allele origin: germline.

Labcorp Genetics (formerly Invitae), Labcorp
Classification: Uncertain significance for Beta-D-mannosidosis. Last evaluated: 2022-10-20. Review status: criteria provided, single submitter. Criteria: Invitae Variant Classification Sherloc (09022015). Collection method: clinical testing. Allele origin: germline.
Comment: This sequence change replaces arginine, which is basic and polar, with tryptophan, which is neutral and slightly polar, at codon 766 of the MANBA protein (p.Arg766Trp). This variant is present in population databases (rs147428514, gnomAD 0.03%). This variant has not been reported in the literature in individuals affected with MANBA-related conditions. ClinVar contains an entry for this variant (Variation ID: 347083). Advanced modeling of protein sequence and biophysical properties (such as structural, functional, and spatial information, amino acid conservation, physicochemical variation, residue mobility, and thermodynamic stability) performed at Invitae indicates that this missense variant is expected to disrupt MANBA protein function. In summary, the available evidence is currently insufficient to determine the role of this variant in disease. Therefore, it has been classified as a Variant of Uncertain Significance.

Ambry Genetics
Classification: Uncertain significance for Inborn genetic diseases. Last evaluated: 2022-10-11. Review status: criteria provided, single submitter. Criteria: Ambry Variant Classification Scheme 2023. Collection method: clinical testing. Allele origin: germline.

GeneDx
Classification: Uncertain significance. Last evaluated: 2022-04-20. Review status: criteria provided, single submitter. Criteria: GeneDx Variant Classification Process June 2021. Collection method: clinical testing. Allele origin: germline. Affected: yes.
Comment: In silico analysis supports that this missense variant has a deleterious effect on protein structure/function; Has not been previously published as pathogenic or benign to our knowledge

Fulgent Genetics
Classification: Uncertain significance for Beta-D-mannosidosis. Last evaluated: 2018-10-31. Review status: criteria provided, single submitter. Criteria: ACMG Guidelines, 2015. Collection method: clinical testing. Allele origin: unknown.

Illumina Laboratory Services, Illumina
Classification: Uncertain significance for Beta-D-mannosidosis. Last evaluated: 2018-01-12. Review status: criteria provided, single submitter. Criteria: ICSL Variant Classification Criteria 13 December 2019. Collection method: clinical testing. Allele origin: germline.

Breakthrough Genomics
Classification: Uncertain significance. Review status: criteria provided, single submitter. Criteria: ACMG Guidelines, 2015. Collection method: not provided. Allele origin: germline. Inheritance: Autosomal recessive inheritance. Affected: yes.

Mayo Clinic Laboratories, Mayo Clinic
Classification: Uncertain significance. Last evaluated: 2017-05-01. Review status: no assertion criteria provided. Collection method: clinical testing. Allele origin: unknown. Not counted in ClinVar's aggregate classification.

NM_005908.4(MANBA):c.2296C>T (p.Arg766Trp)

Gene: MANBA (mannosidase beta; minus strand). Cytogenetic location: 4q24.
Variant type: single nucleotide variant.
Coding change: c.2296C>T on transcript NM_005908.4 (MANE Select); coding-DNA position 2296, C replaced by T.
Protein change: p.Arg766Trp; replaces arginine 766 with tryptophan.
Molecular consequence: missense variant.
Genome position (GRCh38, 1-based): chr4:102,634,907, G>A on the plus strand (C>T on the coding strand, the complement: MANBA is on the minus strand). VCF-style: chr4-102634907-G-A. GRCh37 (hg19) VCF-style: chr4-103556064-G-A.
Other names: short protein forms R766W.
Identifiers: ClinVar variation 347083 (VCV000347083.16), dbSNP rs147428514, ClinGen allele CA3026656.